The following is an entry in ClinVar:

ClinVar aggregate classification (germline): Pathogenic. Review status: reviewed by expert panel (3 of 4 stars). 2 submissions from 2 submitters: Pathogenic (1). 1 of the submissions does not count toward it. Last evaluated 2026-04-10.

Conditions:
Pulmonary hypertension, primary, 1 (PPH1). Also called: Pulmonary hypertension, familial primary, 1, with or without HHT. Identifiers: Orphanet 422, MedGen C4552070, MONDO:0024533, OMIM 178600.
Pulmonary arterial hypertension. Identifiers: Orphanet 182090, MedGen C2973725, MeSH D000081029, MONDO:0015924, HP:0002092.

Submissions (2):

Clingen Pulmonary Hypertension Variant Curation Expert Panel, ClinGen
Classification: Pathogenic for Pulmonary arterial hypertension. Last evaluated: 2026-04-10. Review status: reviewed by expert panel. Criteria: ClinGen PH ACMG Specifications BMPR2 V2.0.0. Collection method: curation. Allele origin: germline. Inheritance: Autosomal dominant inheritance.
Comment: The BMPR2 c.418+3A>T variant is a non-canonical splice site (+3) variant located in intron 3. The variant is absent from gnomAD v.2.1.1 and v4.1.0 (PM2_supporting) and was reported in two individuals with PAH (PMID: 16429395; the same individuals also included in PMID: 29631995, 18356561) (PS4_supporting). In silico prediction indicated likely splice site donor loss (SpliceAI = 0.59) and cDNA analysis demonstrated an inframe deletion, p.Cys84_Ser140del, with loss of 47/99 amino acid residues of the conserved extracellular domain (PMID: 26387786) (PVS1 (RNA)). The variant occurs in the same splice region, and has the same molecular consequence, as an alternate variant classified as pathogenic by the PH VCEP (c.418+5G>A) (PS1). No familial segregation data were available. In summary, the variant meets the criteria to be classified as pathogenic for pulmonary arterial hypertension based on the ACMG/AMP criteria applied, as specified by the ClinGen Pulmonary Hypertension VCEP: PVS1(RNA), PS1, PS4_supporting, PM2_supporting (VCEP specification version 2.0, 1/30/2026).

Rare Disease Genomics Group, St George's University of London
Classification: Pathogenic for Primary pulmonary hypertension. Review status: no assertion criteria provided. Collection method: literature only. Allele origin: germline. Affected: yes. Not counted in ClinVar's aggregate classification.

Literature cited by the submitters: PubMed 16429395 (cited by Rare Disease Genomics Group, St George's University of London); PubMed 18356561 (cited by Rare Disease Genomics Group, St George's University of London).

NM_001204.7(BMPR2):c.418+3A>T

Gene: BMPR2 (bone morphogenetic protein receptor type 2; plus strand). Cytogenetic location: 2q33.1.
Variant type: single nucleotide variant.
Coding change: c.418+3A>T on transcript NM_001204.7 (MANE Select); 3 bases into the intron after coding-DNA position 418, A replaced by T.
Molecular consequence: intron variant.
Genome position (GRCh38, 1-based): chr2:202,467,692, A>T. VCF-style: chr2-202467692-A-T. GRCh37 (hg19) VCF-style: chr2-203332415-A-T.
Other names: c.418+3A>T (LRG_712t1).
Identifiers: ClinVar variation 425780 (VCV000425780.2), dbSNP rs1085307228, ClinGen allele CA645294021.